The following is an entry in ClinVar:

NM_000535.7(PMS2):c.2514C>T (p.Asp838=)

Gene: PMS2 (PMS1 homolog 2, mismatch repair system component; minus strand). Cytogenetic location: 7p22.1.
Variant type: single nucleotide variant.
Coding change: c.2514C>T on transcript NM_000535.7 (MANE Select); coding-DNA position 2514, C replaced by T.
Protein change: p.Asp838=; no amino-acid change (aspartic acid 838 retained).
Molecular consequence: synonymous variant. On other transcripts: non-coding transcript variant (1).
Genome position (GRCh38, 1-based): chr7:5,973,474, G>A on the plus strand (C>T on the coding strand, the complement: PMS2 is on the minus strand). VCF-style: chr7-5973474-G-A. GRCh37 (hg19) VCF-style: chr7-6013105-G-A.
Other names: c.2109C>T, p.Asp703= (NM_001322003.2, NM_001322004.2, NM_001322005.2 and 11 more transcripts); c.2358C>T, p.Asp786= (NM_001322006.2); c.2196C>T, p.Asp732= (NM_001322007.2, NM_001322008.2, NM_001406883.1); c.2142C>T, p.Asp714= (NM_001322009.2, NM_001406887.1, NM_001406888.1); c.1953C>T, p.Asp651= (NM_001322010.2, NM_001406906.1, NM_001406907.1); c.1581C>T, p.Asp527= (NM_001322011.2, NM_001322012.2); c.1941C>T, p.Asp647= (NM_001322013.2, NM_001406908.1, NM_001406909.1); c.2547C>T, p.Asp849= (NM_001322014.2); and 20 more.
Identifiers: ClinVar variation 3903615 (VCV003903615.1).

ClinVar aggregate classification (germline): Benign (1 of 4 stars; one submission).

Conditions:
Lynch syndrome 4 (LYNCH4). Also called: Colorectal cancer, hereditary nonpolyposis, type 4; Hereditary non-polyposis colorectal cancer, type 4. Identifiers: Orphanet 144, MedGen C1838333, MONDO:0013699, OMIM 614337. Disease mechanism: loss of function.

Submission:

Myriad Genetics, Inc.
Classification: Benign for Lynch syndrome 4. Last evaluated: 2025-02-04. Review status: criteria provided, single submitter. Criteria: Myriad Autosomal Dominant, Autosomal Recessive and X-Linked Classification Criteria (2023). Collection method: clinical testing. Allele origin: unknown.
Comment: This variant is considered benign. This variant is a silent/synonymous amino acid change and it is not expected to impact splicing.